The following is an entry in ClinVar:

ClinVar aggregate classification (germline): Uncertain significance (1 of 4 stars; one submission).

Conditions:
Familial intrahepatic cholestasis. Identifiers: Orphanet 284385, MedGen CN296401, MONDO:0017290.

Submission:

Genomenon, Inc
Classification: Uncertain significance for Familial intrahepatic cholestasis. Last evaluated: 2026-04-14. Review status: criteria provided, single submitter. Criteria: Genomenon Sequence Variant Interpretation Standards - Updated. Collection method: curation. Allele origin: germline. Affected: yes.
Comment: ABCB11 p.Leu219Phe (c.655C>T) is a missense variant that changes the amino acid at residue 219 from Leucine to Phenylalanine. This variant has been observed in at least one proband with an ABCB11-related disorder (PMID:32289814). It has been observed in trans with a pathogenic or likely pathogenic variant (PMID:32289814). It is absent or not present at a significant frequency in gnomAD. In silico models predict that this variant is possibly or probably damaging. In conclusion, we classify ABCB11 p.Leu219Phe (c.655C>T) as a variant of uncertain significance.

Literature cited by the submitters: PubMed 32289814.

NM_003742.4(ABCB11):c.655C>T (p.Leu219Phe)

Gene: ABCB11 (ATP binding cassette subfamily B member 11; minus strand). Cytogenetic location: 2q31.1.
Variant type: single nucleotide variant.
Coding change: c.655C>T on transcript NM_003742.4 (MANE Select); coding-DNA position 655, C replaced by T.
Protein change: p.Leu219Phe; replaces leucine 219 with phenylalanine.
Molecular consequence: missense variant.
Genome position (GRCh38, 1-based): chr2:168,993,839, G>A on the plus strand (C>T on the coding strand, the complement: ABCB11 is on the minus strand). VCF-style: chr2-168993839-G-A. GRCh37 (hg19) VCF-style: chr2-169850349-G-A.
Other names: short protein forms L219F.
Identifiers: ClinVar variation 4846083 (VCV004846083.1).
Genomic context (GRCh38, chr2:168,993,839, plus strand): 5'-AACCCCTGAAAAATCCCAACAGGAAACCACAGATGGTCGAGGTCATGCGCTGAATGAAAA[G>A]GGCCATTTGGTCAGCTATGGCATCATTGATTTTATTAATATCACTAGAAACCAGAAAGAT-3'
Protein context (NP_003733.2, residues 209-229): INDAIADQMA[Leu219Phe]FIQRMTSTIC